The following is an entry in ClinVar:

NM_001004311.3(FIGLA):c.248G>A (p.Arg83His)

Gene: FIGLA (folliculogenesis specific bHLH transcription factor; minus strand). Cytogenetic location: 2p13.3.
Variant type: single nucleotide variant.
Coding change: c.248G>A on transcript NM_001004311.3 (MANE Select); coding-DNA position 248, G replaced by A.
Protein change: p.Arg83His; replaces arginine 83 with histidine.
Molecular consequence: missense variant.
Genome position (GRCh38, 1-based): chr2:70,787,785, C>T on the plus strand (G>A on the coding strand, the complement: FIGLA is on the minus strand). VCF-style: chr2-70787785-C-T. GRCh37 (hg19) VCF-style: chr2-71014917-C-T.
Other names: short protein forms R83H.
Identifiers: ClinVar variation 336911 (VCV000336911.5), dbSNP rs199702150, ClinGen allele CA1699691.

ClinVar aggregate classification (germline): Likely benign (1 of 4 stars; one submission).

Conditions:
Premature ovarian failure 6 (POF6). Identifiers: MedGen C2676742, MONDO:0012861, OMIM 612310.

Allele frequency attached by ClinVar (database versions not stated): TOPMed 0.00029; 1000 Genomes Project 30x 0.00031; gnomAD 0.00036; 1000 Genomes Project 0.00040; ESP Exome Variant Server 0.00042; ExAC 0.00019; gnomAD exomes 0.00019.
gnomAD v4.1: 917 of 1,612,284 alleles (0.057%); highest among the groups gnomAD compares: Non-Finnish European, 0.075%; 1 homozygote.

Submission:

Illumina Laboratory Services, Illumina
Classification: Likely benign for Premature ovarian failure 6. Last evaluated: 2018-01-13. Review status: criteria provided, single submitter. Criteria: ICSL Variant Classification Criteria 13 December 2019. Collection method: clinical testing. Allele origin: germline.
Comment: This variant was observed in the ICSL laboratory as part of a predisposition screen in an ostensibly healthy population. It had not been previously curated by ICSL or reported in the Human Gene Mutation Database (HGMD: prior to June 1st, 2018), and was therefore a candidate for classification through an automated scoring system. Utilizing variant allele frequency, disease prevalence and penetrance estimates, and inheritance mode, an automated score was calculated to assess if this variant is too frequent to cause the disease. Based on the score and internal cut-off values, a variant classified as likely benign is not then subjected to further curation. The score for this variant resulted in a classification of likely benign for this disease.